The following is an entry in ClinVar:

ClinVar aggregate classification (germline): Pathogenic (1 of 4 stars; one submission).

Submission:

Labcorp Genetics (formerly Invitae), Labcorp
Classification: Pathogenic. Last evaluated: 2023-03-21. Review status: criteria provided, single submitter. Criteria: Invitae Variant Classification Sherloc (09022015). Collection method: clinical testing. Allele origin: germline.
Comment: This sequence change creates a premature translational stop signal (p.Gly369Aspfs*27) in the ATP6V1B1 gene. It is expected to result in an absent or disrupted protein product. Loss-of-function variants in ATP6V1B1 are known to be pathogenic (PMID: 9916796, 18368028). This variant is not present in population databases (gnomAD no frequency). This variant has not been reported in the literature in individuals affected with ATP6V1B1-related conditions. For these reasons, this variant has been classified as Pathogenic.

Literature cited by the submitters: PubMed 9916796; PubMed 18368028.

NM_001692.4(ATP6V1B1):c.1106del (p.Gly369fs)

Gene: ATP6V1B1 (ATPase H+ transporting V1 subunit B1; plus strand). Cytogenetic location: 2p13.3.
Variant type: Deletion.
Coding change: c.1106del on transcript NM_001692.4 (MANE Select); coding-DNA position 1106, one base deleted (G; older notation c.1106delG).
Protein change: p.Gly369fs; shifts the reading frame from glycine 369.
Molecular consequence: frameshift variant.
Genome position (GRCh38, 1-based): chr2:70,963,617, G deleted; the last of 3 consecutive G bases (chr2:70,963,615-70,963,617); deleting any one gives the same sequence. VCF-style (leftmost placement, unchanged base first): chr2-70963614-AG-A. GRCh37 (hg19) VCF-style: chr2-71190744-AG-A.
Other names: short protein forms G369fs.
Identifiers: ClinVar variation 2848095 (VCV002848095.3), dbSNP rs2466303109, ClinGen allele CA2739274560.
Genomic context (GRCh38, chr2:70,963,614, plus strand): 5'-CAGTGAGTTTTCTTGTAGATATCACCCACCCTATCCCAGACTTGACGGGCTTCATCACAG[AG>A]GGACAGATCTACGTGGACAGACAGCTTCACAACAGACAGGTACTGCCCTGTCCCTACCCA-3'